The following is an entry in ClinVar:

NM_001170629.2(CHD8):c.4762A>G (p.Arg1588Gly)

Gene: CHD8 (chromodomain helicase DNA binding protein 8; minus strand). Cytogenetic location: 14q11.2.
Variant type: single nucleotide variant.
Coding change: c.4762A>G on transcript NM_001170629.2 (MANE Select); coding-DNA position 4762, A replaced by G.
Protein change: p.Arg1588Gly; replaces arginine 1588 with glycine.
Molecular consequence: missense variant.
Genome position (GRCh38, 1-based): chr14:21,400,036, T>C on the plus strand (A>G on the coding strand, the complement: CHD8 is on the minus strand). VCF-style: chr14-21400036-T-C. GRCh37 (hg19) VCF-style: chr14-21868195-T-C.
Other names: c.3925A>G, p.Arg1309Gly (NM_020920.4); short protein forms R1309G, R1588G.
Identifiers: ClinVar variation 3371638 (VCV003371638.2).

ClinVar aggregate classification (germline): Uncertain significance (1 of 4 stars; one submission).

Submission:

GeneDx
Classification: Uncertain significance. Last evaluated: 2025-09-26. Review status: criteria provided, single submitter. Criteria: GeneDx Variant Classification Process June 2021. Collection method: clinical testing. Allele origin: germline. Affected: yes.
Comment: Not observed at significant frequency in large population cohorts (gnomAD); In silico analysis supports that this missense variant has a deleterious effect on protein structure/function; Has not been previously published as pathogenic or benign to our knowledge